The following is an entry in ClinVar:

NM_001080414.4(CCDC88C):c.4305G>A (p.Trp1435Ter)

Gene: CCDC88C (coiled-coil and HOOK domain protein 88C; minus strand). Cytogenetic location: 14q32.11.
Variant type: single nucleotide variant.
Coding change: c.4305G>A on transcript NM_001080414.4 (MANE Select); coding-DNA position 4305, G replaced by A.
Protein change: p.Trp1435Ter; replaces tryptophan 1435 with a stop codon.
Molecular consequence: nonsense. On other transcripts: non-coding transcript variant (2).
Genome position (GRCh38, 1-based): chr14:91,289,241, C>T on the plus strand (G>A on the coding strand, the complement: CCDC88C is on the minus strand). VCF-style: chr14-91289241-C-T. GRCh37 (hg19) VCF-style: chr14-91755585-C-T.
Other names: short protein forms W1435*.
Identifiers: ClinVar variation 5014453 (VCV005014453.1).

ClinVar aggregate classification (germline): Pathogenic (1 of 4 stars; one submission).

Conditions:
Hydrocephalus, nonsyndromic, autosomal recessive 1 (HYC1). Also called: Hydrocephalus, nonsyndromic, autosomal recessive; Congenital hydrocephalus 1. Identifiers: Orphanet 2185, MedGen C3887608, MONDO:0009360, OMIM 236600.

Submission:

Myriad Genetics, Inc.
Classification: Pathogenic for Hydrocephalus, nonsyndromic, autosomal recessive 1. Last evaluated: 2025-05-17. Review status: criteria provided, single submitter. Criteria: Myriad Autosomal Dominant, Autosomal Recessive and X-Linked Classification Criteria (2023). Collection method: clinical testing. Allele origin: unknown.
Comment: NM_001080414.3(CCDC88C):c.4305G>A(W1435*) is expected to be pathogenic in the context of congenital hydrocephalus, CCDC88C-related. This variant is predicted to lead to an abnormal or absent protein product due to the creation of a premature termination codon in CCDC88C, a gene where loss-of-function variants are known to be pathogenic. Please note: this variant was assessed in the context of healthy population screening.